The following is an entry in ClinVar:

NM_001199107.2(TBC1D24):c.1213G>A (p.Gly405Ser)

Gene: TBC1D24 (TBC1 domain family member 24; plus strand). Cytogenetic location: 16p13.3.
Variant type: single nucleotide variant.
Coding change: c.1213G>A on transcript NM_001199107.2 (MANE Select); coding-DNA position 1213, G replaced by A.
Protein change: p.Gly405Ser; replaces glycine 405 with serine.
Molecular consequence: missense variant.
Genome position (GRCh38, 1-based): chr16:2,499,841, G>A. VCF-style: chr16-2499841-G-A. GRCh37 (hg19) VCF-style: chr16-2549842-G-A.
Other names: c.1195G>A, p.Gly399Ser (NM_020705.3); short protein forms G399S, G405S.
Identifiers: ClinVar variation 1951125 (VCV001951125.5), dbSNP rs1300068931, ClinGen allele CA394380102.

ClinVar aggregate classification (germline): Uncertain significance (1 of 4 stars; one submission).

Conditions:
Developmental and epileptic encephalopathy, 1 (DEE1). Also called: X-linked infantile spasms; West's syndrome; Tonic spasms with clustering, arrest of psychomotor development and hypsarrhythmia on EEG; X-Linked Infantile Spasm Syndrome; OHTAHARA SYNDROME, X-LINKED; INFANTILE SPASM SYNDROME, X-LINKED 1. Identifiers: MedGen C3463992, MONDO:0010632, OMIM 308350. Disease mechanism: loss of function.
Autosomal dominant nonsyndromic hearing loss 65. Also called: Deafness, autosomal dominant 65; TBC1D24-Related Autosomal Dominant Nonsyndromic Hearing Loss (DFNA). Identifiers: Orphanet 90635, MedGen C3892048, MONDO:0014470, OMIM 616044.

Allele frequency attached by ClinVar (database versions not stated): gnomAD 0.00002; TOPMed 0.00001; gnomAD exomes below 0.00001.
gnomAD v4.1: 4 of 1,613,870 alleles (0.00025%); highest among the groups gnomAD compares: Admixed American, 0.0067%; no homozygotes.

Submission:

Labcorp Genetics (formerly Invitae), Labcorp
Classification: Uncertain significance for Developmental and epileptic encephalopathy, 1; Autosomal dominant nonsyndromic hearing loss 65. Last evaluated: 2025-04-17. Review status: criteria provided, single submitter. Criteria: Invitae Variant Classification Sherloc (09022015). Collection method: clinical testing. Allele origin: germline.
Comment: This sequence change replaces glycine, which is neutral and non-polar, with serine, which is neutral and polar, at codon 405 of the TBC1D24 protein (p.Gly405Ser). This variant is present in population databases (no rsID available, gnomAD 0.003%). This variant has not been reported in the literature in individuals affected with TBC1D24-related conditions. ClinVar contains an entry for this variant (Variation ID: 1951125). Invitae Evidence Modeling of protein sequence and biophysical properties (such as structural, functional, and spatial information, amino acid conservation, physicochemical variation, residue mobility, and thermodynamic stability) indicates that this missense variant is expected to disrupt TBC1D24 protein function with a positive predictive value of 95%. Algorithms developed to predict the effect of sequence changes on RNA splicing suggest that this variant may disrupt the consensus splice site. In summary, the available evidence is currently insufficient to determine the role of this variant in disease. Therefore, it has been classified as a Variant of Uncertain Significance.